The following is an entry in ClinVar:

NM_001082486.2(ACD):c.671G>C (p.Ser224Thr)

Gene: ACD (ACD shelterin complex subunit and telomerase recruitment factor; minus strand). Cytogenetic location: 16q22.1.
Variant type: single nucleotide variant.
Coding change: c.671G>C on transcript NM_001082486.2 (MANE Select); coding-DNA position 671, G replaced by C.
Protein change: p.Ser224Thr; replaces serine 224 with threonine.
Molecular consequence: missense variant.
Genome position (GRCh38, 1-based): chr16:67,658,791, C>G on the plus strand (G>C on the coding strand, the complement: ACD is on the minus strand). VCF-style: chr16-67658791-C-G. GRCh37 (hg19) VCF-style: chr16-67692694-C-G.
Other names: c.671G>C, p.Ser224Thr (NM_001410884.1); c.662G>C, p.Ser221Thr (NM_022914.3); short protein forms S221T, S224T.
Identifiers: ClinVar variation 3232693 (VCV003232693.1), dbSNP rs2543602489, ClinGen allele CA396353674.
Genomic context (GRCh38, chr16:67,658,791, plus strand): 5'-TGACAGGGGCCTAGAGAGCTCAGAATTAGCTGGTCATTCTCAGAGATGCACAGCATTGAG[C>G]TGGGGACAGTGTACACAGCTTCTCCCTGTGGGACATGAACTCTGTAGGACAGGCCCGTTT-3'
Protein context (NP_001075955.2, residues 214-234): ATGEAVYTVP[Ser224Thr]SMLCISENDQ

ClinVar aggregate classification (germline): Uncertain significance (1 of 4 stars; one submission).

Conditions:
Inborn genetic diseases. Identifiers: MedGen C0950123, MeSH D030342.

Allele frequency attached by ClinVar (database versions not stated): gnomAD exomes below 0.00001.
gnomAD v4.1: 2 of 1,613,460 alleles (0.00012%); highest among the groups gnomAD compares: Non-Finnish European, 0.00017%; no homozygotes.

Submission:

Ambry Genetics
Classification: Uncertain significance for Inborn genetic diseases. Last evaluated: 2023-09-25. Review status: criteria provided, single submitter. Criteria: Ambry Variant Classification Scheme 2023. Collection method: clinical testing. Allele origin: germline.
Comment: The p.S310T variant (also known as c.929G>C), located in coding exon 8 of the ACD gene, results from a G to C substitution at nucleotide position 929. The serine at codon 310 is replaced by threonine, an amino acid with similar properties. This amino acid position is conserved. In addition, this alteration is predicted to be tolerated by in silico analysis. Since supporting evidence is limited at this time, the clinical significance of this alteration remains unclear.